The following is an entry in ClinVar:

ClinVar aggregate classification (germline): Conflicting classifications of pathogenicity. Review status: criteria provided, conflicting classifications (1 of 4 stars). 7 submissions from 7 submitters: Uncertain significance (4); Likely benign (2). 1 of the submissions does not count toward it. Last evaluated 2026-07-31.

Conditions:
Alstrom syndrome (ALMS). Identifiers: Orphanet 64, MedGen C0268425, MONDO:0008763, OMIM 203800.
Cardiovascular phenotype. Identifiers: MedGen CN230736.

Allele frequency attached by ClinVar (database versions not stated): gnomAD 0.00005; TOPMed 0.00005; ExAC 0.00006; gnomAD exomes 0.00007 and 0.00009; ESP Exome Variant Server 0.00008.
gnomAD v4.1: 134 of 1,613,278 alleles (0.0083%); highest among the groups gnomAD compares: Non-Finnish European, 0.011%; no homozygotes.

Submissions (7):

GeneDx
Classification: Uncertain significance. Last evaluated: 2026-07-31. Review status: criteria provided, single submitter. Criteria: GeneDx Variant Classification Process June 2021. Collection method: clinical testing. Allele origin: germline.
Comment: Not observed at significant frequency in large population cohorts (gnomAD); In silico analysis suggests that this missense variant does not alter protein structure/function; Has not been previously published as pathogenic or benign to our knowledge

Women's Health and Genetics/Laboratory Corporation of America, LabCorp
Classification: Uncertain significance. Last evaluated: 2026-01-26. Review status: criteria provided, single submitter. Criteria: LabCorp Variant Classification Summary - May 2015. Collection method: clinical testing. Allele origin: germline.

Blueprint Genetics
Classification: Likely benign. Last evaluated: 2024-11-13. Review status: criteria provided, single submitter. Criteria: ACMG Guidelines, 2015. Collection method: clinical testing. Allele origin: germline.

Ambry Genetics
Classification: Likely benign for Cardiovascular phenotype. Last evaluated: 2024-09-06. Review status: criteria provided, single submitter. Criteria: Ambry Variant Classification Scheme 2023. Collection method: clinical testing. Allele origin: germline.

Labcorp Genetics (formerly Invitae), Labcorp
Classification: Uncertain significance for Alstrom syndrome. Last evaluated: 2023-12-25. Review status: criteria provided, single submitter. Criteria: Invitae Variant Classification Sherloc (09022015). Collection method: clinical testing. Allele origin: germline.
Comment: This sequence change replaces phenylalanine, which is neutral and non-polar, with leucine, which is neutral and non-polar, at codon 1392 of the ALMS1 protein (p.Phe1392Leu). This variant is present in population databases (rs370406004, gnomAD 0.01%). This variant has not been reported in the literature in individuals affected with ALMS1-related conditions. ClinVar contains an entry for this variant (Variation ID: 970826). Experimental studies and prediction algorithms are not available or were not evaluated, and the functional significance of this variant is currently unknown. In summary, the available evidence is currently insufficient to determine the role of this variant in disease. Therefore, it has been classified as a Variant of Uncertain Significance.

Fulgent Genetics
Classification: Uncertain significance for Alstrom syndrome. Last evaluated: 2022-04-26. Review status: criteria provided, single submitter. Criteria: ACMG Guidelines, 2015. Collection method: clinical testing. Allele origin: unknown.

Natera, Inc.
Classification: Uncertain significance for Alstrom syndrome. Last evaluated: 2021-08-26. Review status: no assertion criteria provided. Collection method: clinical testing. Allele origin: germline. Not counted in ClinVar's aggregate classification.

NM_001378454.1(ALMS1):c.4173C>A (p.Phe1391Leu)

Gene: ALMS1 (ALMS1 centrosome and basal body associated protein; plus strand). Cytogenetic location: 2p13.1.
Variant type: single nucleotide variant.
Coding change: c.4173C>A on transcript NM_001378454.1 (MANE Select); coding-DNA position 4173, C replaced by A.
Protein change: p.Phe1391Leu; replaces phenylalanine 1391 with leucine.
Molecular consequence: missense variant.
Genome position (GRCh38, 1-based): chr2:73,450,700, C>A. VCF-style: chr2-73450700-C-A. GRCh37 (hg19) VCF-style: chr2-73677827-C-A.
Other names: c.4176C>A, p.Phe1392Leu (NM_015120.4); short protein forms F1391L, F1392L.
Identifiers: ClinVar variation 970826 (VCV000970826.20), dbSNP rs370406004, ClinGen allele CA1713651.